The following is an entry in ClinVar:

ClinVar aggregate classification (germline): Likely pathogenic (1 of 4 stars; one submission).

Conditions:
Mucopolysaccharidosis type 1. Also called: IDUA deficiency; MPS I. Identifiers: Orphanet 579, MedGen C0023786, MONDO:0001586.

Submission:

Myriad Genetics, Inc.
Classification: Likely pathogenic for Mucopolysaccharidosis type 1. Last evaluated: 2025-04-17. Review status: criteria provided, single submitter. Criteria: Myriad Autosomal Dominant, Autosomal Recessive and X-Linked Classification Criteria (2023). Collection method: clinical testing. Allele origin: unknown.
Comment: NM_000203.3(IDUA):c.792+2T>C is a variant in a canonical splice site classified as likely pathogenic in the context of mucopolysaccharidosis type I. c.792+2T>C has not been observed in cases with relevant disease. Relevant functional assessments of this variant are not available in the literature. c.792+2T>C has not been observed in referenced population frequency databases. In summary, NM_000203.3(IDUA):c.792+2T>C is a variant in a canonical splice site in a gene where loss of function is a known mechanism of disease, is predicted to disrupt protein function, and has been observed more frequently in cases with the relevant disease than in healthy populations. Please note: this variant was assessed in the context of healthy population screening.

NM_000203.5(IDUA):c.792+2T>C

Gene: IDUA (alpha-L-iduronidase; plus strand). Cytogenetic location: 4p16.3.
Variant type: single nucleotide variant.
Coding change: c.792+2T>C on transcript NM_000203.5 (MANE Select); the canonical splice donor site of the intron after coding-DNA position 792, T replaced by C.
Molecular consequence: splice donor variant.
Genome position (GRCh38, 1-based): chr4:1,001,883, T>C. VCF-style: chr4-1001883-T-C. GRCh37 (hg19) VCF-style: chr4-995671-T-C.
Other names: c.396+2T>C (NM_001363576.1).
Identifiers: ClinVar variation 4081710 (VCV004081710.1).
Genomic context (GRCh38, chr4:1,001,883, plus strand): 5'-CCAACTTCTTCACTGGGGAGGCGGGCGTGCGGCTGGACTACATCTCCCTCCACAGGAAGG[T>C]GCGCCCTGCCCCTCCGTCCGCCCCGGTGTTCTGCGCCCTCAGCCGCTGTGCCCCGGGCCG-3'